The following is an entry in ClinVar:

NM_199420.4(POLQ):c.982A>G (p.Ser328Gly)

Gene: POLQ (DNA polymerase theta; minus strand). Cytogenetic location: 3q13.33.
Variant type: single nucleotide variant.
Coding change: c.982A>G on transcript NM_199420.4 (MANE Select); coding-DNA position 982, A replaced by G.
Protein change: p.Ser328Gly; replaces serine 328 with glycine.
Molecular consequence: missense variant.
Genome position (GRCh38, 1-based): chr3:121,529,771, T>C on the plus strand (A>G on the coding strand, the complement: POLQ is on the minus strand). VCF-style: chr3-121529771-T-C. GRCh37 (hg19) VCF-style: chr3-121248618-T-C.
Other names: short protein forms S328G.
Identifiers: ClinVar variation 2497214 (VCV002497214.2), dbSNP rs2546817107, ClinGen allele CA354124867.

ClinVar aggregate classification (germline): Uncertain significance (1 of 4 stars; one submission).

Submission:

Ambry Genetics
Classification: Uncertain significance. Last evaluated: 2022-12-17. Review status: criteria provided, single submitter. Criteria: Ambry Variant Classification Scheme 2023. Collection method: clinical testing. Allele origin: germline.
Comment: The p.S328G variant (also known as c.982A>G), located in coding exon 7 of the POLQ gene, results from an A to G substitution at nucleotide position 982. The serine at codon 328 is replaced by glycine, an amino acid with similar properties. This amino acid position is conserved. In addition, this alteration is predicted to be tolerated by in silico analysis. Since supporting evidence is limited at this time, the clinical significance of this alteration remains unclear.